The following is an entry in ClinVar:

ClinVar aggregate classification (germline): Uncertain significance (1 of 4 stars; one submission).

Allele frequency attached by ClinVar (database versions not stated): gnomAD exomes below 0.00001 and 0.00001; TOPMed below 0.00001.

Submission:

Labcorp Genetics (formerly Invitae), Labcorp
Classification: Uncertain significance. Last evaluated: 2022-10-23. Review status: criteria provided, single submitter. Criteria: Invitae Variant Classification Sherloc (09022015). Collection method: clinical testing. Allele origin: germline.
Comment: This variant is present in population databases (no rsID available, gnomAD 0.0009%). In summary, the available evidence is currently insufficient to determine the role of this variant in disease. Therefore, it has been classified as a Variant of Uncertain Significance. Algorithms developed to predict the effect of missense changes on protein structure and function output the following: SIFT: "Tolerated"; PolyPhen-2: "Benign"; Align-GVGD: "Class C0". The threonine amino acid residue is found in multiple mammalian species, which suggests that this missense change does not adversely affect protein function. ClinVar contains an entry for this variant (Variation ID: 1463218). This variant has not been reported in the literature in individuals affected with OPN1SW-related conditions. This sequence change replaces methionine, which is neutral and non-polar, with threonine, which is neutral and polar, at codon 54 of the OPN1SW protein (p.Met54Thr).

NM_001385125.1(OPN1SW):c.152T>C (p.Met51Thr)

Gene: OPN1SW (opsin 1, short wave sensitive; minus strand). Cytogenetic location: 7q32.1.
Variant type: single nucleotide variant.
Coding change: c.152T>C on transcript NM_001385125.1 (MANE Select); coding-DNA position 152, T replaced by C.
Protein change: p.Met51Thr; replaces methionine 51 with threonine.
Molecular consequence: missense variant.
Genome position (GRCh38, 1-based): chr7:128,775,630, A>G on the plus strand (T>C on the coding strand, the complement: OPN1SW is on the minus strand). VCF-style: chr7-128775630-A-G. GRCh37 (hg19) VCF-style: chr7-128415684-A-G.
Other names: short protein forms M51T.
Identifiers: ClinVar variation 1463218 (VCV001463218.8), dbSNP rs1361559658, ClinGen allele CA369222450.